The following is an entry in ClinVar:

ClinVar aggregate classification (germline): Uncertain significance. Review status: criteria provided, multiple submitters, no conflicts (2 of 4 stars). 2 submissions from 2 submitters: Uncertain significance (2). Last evaluated 2024-08-19.

Conditions:
Acrocallosal syndrome (ACLS). Also called: Schinzel syndrome 1; Absence of corpus callosum with unusual facial appearance, mental deficiency, duplication of the halluces and polydactyly; HALLUX DUPLICATION, POSTAXIAL POLYDACTYLY, AND ABSENCE OF CORPUS CALLOSUM. Identifiers: Orphanet 36, MedGen C0796147, MONDO:0008708, OMIM 200990.

Allele frequency attached by ClinVar (database versions not stated): TOPMed 0.00003; ExAC 0.00005.
gnomAD v4.1: 39 of 1,551,562 alleles (0.0025%); highest among the groups gnomAD compares: Non-Finnish European, 0.003%; no homozygotes.

Submissions (2):

Blueprint Genetics
Classification: Uncertain significance. Last evaluated: 2024-08-19. Review status: criteria provided, single submitter. Criteria: ACMG Guidelines, 2015. Collection method: clinical testing. Allele origin: germline.

Labcorp Genetics (formerly Invitae), Labcorp
Classification: Uncertain significance for Acrocallosal syndrome. Last evaluated: 2024-02-24. Review status: criteria provided, single submitter. Criteria: Invitae Variant Classification Sherloc (09022015). Collection method: clinical testing. Allele origin: germline.
Comment: This sequence change replaces histidine, which is basic and polar, with glutamine, which is neutral and polar, at codon 58 of the KIF7 protein (p.His58Gln). This variant is present in population databases (rs760396015, gnomAD 0.01%). This variant has not been reported in the literature in individuals affected with KIF7-related conditions. ClinVar contains an entry for this variant (Variation ID: 1397328). Advanced modeling of protein sequence and biophysical properties (such as structural, functional, and spatial information, amino acid conservation, physicochemical variation, residue mobility, and thermodynamic stability) performed at Invitae indicates that this missense variant is not expected to disrupt KIF7 protein function with a negative predictive value of 80%. Algorithms developed to predict the effect of sequence changes on RNA splicing suggest that this variant may create or strengthen a splice site. In summary, the available evidence is currently insufficient to determine the role of this variant in disease. Therefore, it has been classified as a Variant of Uncertain Significance.

NM_198525.3(KIF7):c.174C>G (p.His58Gln)

Gene: KIF7 (kinesin family member 7; minus strand). Cytogenetic location: 15q26.1.
Variant type: single nucleotide variant.
Coding change: c.174C>G on transcript NM_198525.3 (MANE Select); coding-DNA position 174, C replaced by G.
Protein change: p.His58Gln; replaces histidine 58 with glutamine.
Molecular consequence: missense variant.
Genome position (GRCh38, 1-based): chr15:89,652,757, G>C on the plus strand (C>G on the coding strand, the complement: KIF7 is on the minus strand). VCF-style: chr15-89652757-G-C. GRCh37 (hg19) VCF-style: chr15-90195988-G-C.
Other names: short protein forms H58Q.
Identifiers: ClinVar variation 1397328 (VCV001397328.9), dbSNP rs760396015, ClinGen allele CA7728680.
Genomic context (GRCh38, chr15:89,652,757, plus strand): 5'-GAGGGGCTGAACGCAGGCCTGGTACACGGCCTCCTGCCCCGCATCCTCGGCCAGCACCAC[G>C]TGGAAGCCAAAGTGTCGGTCACGGCCCAGAGTGACGCGGCCAAGCCCTGGCTCCACCTGC-3'
Protein context (NP_940927.2, residues 48-68): TLGRDRHFGF[His58Gln]VVLAEDAGQE